The following is an entry in ClinVar:

ClinVar aggregate classification (germline): Likely benign. Review status: criteria provided, multiple submitters, no conflicts (2 of 4 stars). 4 submissions from 4 submitters: Likely benign (4). Last evaluated 2025-05-01.

Conditions:
Autosomal recessive limb-girdle muscular dystrophy type 2J (LGMDR10). Also called: MUSCULAR DYSTROPHY, LIMB-GIRDLE, AUTOSOMAL RECESSIVE 10; Limb-girdle muscular dystrophy, type 2J. Identifiers: Orphanet 140922, MedGen C1837342, MONDO:0012127, OMIM 608807.
Dilated cardiomyopathy 1G (CMD1G). Identifiers: Orphanet 154, MedGen C1858763, MONDO:0011400, OMIM 604145.
Cardiovascular phenotype. Identifiers: MedGen CN230736.

Allele frequency attached by ClinVar (database versions not stated): gnomAD 0.00001.
gnomAD v4.1: 31 of 1,611,918 alleles (0.0019%); highest among the groups gnomAD compares: Middle Eastern, 0.016%; no homozygotes.

Submissions (4):

Labcorp Genetics (formerly Invitae), Labcorp
Classification: Likely benign for Dilated cardiomyopathy 1G; Autosomal recessive limb-girdle muscular dystrophy type 2J. Last evaluated: 2025-05-01. Review status: criteria provided, single submitter. Criteria: Invitae Variant Classification Sherloc (09022015). Collection method: clinical testing. Allele origin: germline.

CeGaT Center for Human Genetics Tuebingen
Classification: Likely benign. Last evaluated: 2024-05-01. Review status: criteria provided, single submitter. Criteria: CeGaT Center For Human Genetics Tuebingen Variant Classification Criteria Version 2. Collection method: clinical testing. Allele origin: germline. Affected: yes. Observed: 1 variant allele.
Comment: TTN: BP4, BP7

Ambry Genetics
Classification: Likely benign for Cardiovascular phenotype. Last evaluated: 2022-05-27. Review status: criteria provided, single submitter. Criteria: Ambry Variant Classification Scheme 2023. Collection method: clinical testing. Allele origin: germline.

Blueprint Genetics
Classification: Likely benign. Last evaluated: 2019-10-08. Review status: criteria provided, single submitter. Criteria: ACMG Guidelines, 2015. Collection method: clinical testing. Allele origin: germline.

NM_001267550.2(TTN):c.46848G>A (p.Thr15616=)

Genes: TTN (titin; minus strand), TTN-AS1 (TTN antisense RNA 1; plus strand). Cytogenetic location: 2q31.2.
Variant type: single nucleotide variant.
Coding change: c.46848G>A on transcript NM_001267550.2 (MANE Select); coding-DNA position 46848, G replaced by A.
Protein change: p.Thr15616=; no amino-acid change (threonine 15616 retained).
Molecular consequence: synonymous variant.
Genome position (GRCh38, 1-based): chr2:178,618,702, C>T on the plus strand (G>A on the coding strand, the complement: TTN is on the minus strand). VCF-style: chr2-178618702-C-T. GRCh37 (hg19) VCF-style: chr2-179483429-C-T.
Other names: c.41925G>A, p.Thr13975= (NM_001256850.1); c.19653G>A, p.Thr6551= (NM_003319.4); c.39144G>A, p.Thr13048= (NM_133378.4); c.20028G>A, p.Thr6676= (NM_133432.3); c.20229G>A, p.Thr6743= (NM_133437.4).
Identifiers: ClinVar variation 1783502 (VCV001783502.27), dbSNP rs766610061, ClinGen allele CA1995159.